The following is an entry in ClinVar:

NM_001312909.2(FAM111A):c.482A>G (p.Lys161Arg)

Gene: FAM111A (FAM111 trypsin like peptidase A; plus strand). Cytogenetic location: 11q12.1.
Variant type: single nucleotide variant.
Coding change: c.482A>G on transcript NM_001312909.2 (MANE Select); coding-DNA position 482, A replaced by G.
Protein change: p.Lys161Arg; replaces lysine 161 with arginine.
Molecular consequence: missense variant.
Genome position (GRCh38, 1-based): chr11:59,152,150, A>G. VCF-style: chr11-59152150-A-G. GRCh37 (hg19) VCF-style: chr11-58919623-A-G.
Other names: c.482A>G (NM_001142520.1); c.482A>G, p.Lys161Arg (NM_001369457.1, NM_001374804.1, NM_001374848.1 and 29 more transcripts); short protein forms K161R.
Identifiers: ClinVar variation 2764536 (VCV002764536.5), dbSNP rs371170858, ClinGen allele CA6016585.

ClinVar aggregate classification (germline): Benign/Likely benign. Review status: criteria provided, multiple submitters, no conflicts (2 of 4 stars). 3 submissions from 3 submitters: Benign (1); Likely benign (2). Last evaluated 2026-05-05.

Conditions:
Inborn genetic diseases. Identifiers: MedGen C0950123, MeSH D030342.

Allele frequency attached by ClinVar (database versions not stated): gnomAD 0.00007; TOPMed 0.00008; ESP Exome Variant Server 0.00015; ExAC 0.00016; gnomAD exomes 0.00029.

Submissions (3):

Women's Health and Genetics/Laboratory Corporation of America, LabCorp
Classification: Likely benign. Last evaluated: 2026-05-05. Review status: criteria provided, single submitter. Criteria: LabCorp Variant Classification Summary - May 2015. Collection method: clinical testing. Allele origin: germline.
Comment: Variant summary: FAM111A c.482A>G (p.Lys161Arg) results in a conservative amino acid change in the encoded protein sequence. Algorithms developed to predict the effect of missense changes on protein structure and function all suggest that this variant is likely to be tolerated. The variant allele was found at a frequency of 0.00015 in 250022 control chromosomes, predominantly at a frequency of 0.0003 within the Non-Finnish European subpopulation in the gnomAD database. The occurrence in many controls suggests the variant is a benign polymorphism. To our knowledge, no occurrence of c.482A>G in individuals affected with FAM111A-related conditions and no experimental evidence demonstrating its impact on protein function have been reported. ClinVar contains an entry for this variant (Variation ID: 2764536). Based on the evidence outlined above, the variant was classified as likely benign.

Labcorp Genetics (formerly Invitae), Labcorp
Classification: Benign. Last evaluated: 2025-12-01. Review status: criteria provided, single submitter. Criteria: Invitae Variant Classification Sherloc (09022015). Collection method: clinical testing. Allele origin: germline.

Ambry Genetics
Classification: Likely benign for Inborn genetic diseases. Last evaluated: 2022-05-09. Review status: criteria provided, single submitter. Criteria: Ambry Variant Classification Scheme 2023. Collection method: clinical testing. Allele origin: germline.